The following is an entry in ClinVar:

NM_000428.3(LTBP2):c.164G>A (p.Arg55His)

Gene: LTBP2 (latent transforming growth factor beta binding protein 2; minus strand). Cytogenetic location: 14q24.3.
Variant type: single nucleotide variant.
Coding change: c.164G>A on transcript NM_000428.3 (MANE Select); coding-DNA position 164, G replaced by A.
Protein change: p.Arg55His; replaces arginine 55 with histidine.
Molecular consequence: missense variant.
Genome position (GRCh38, 1-based): chr14:74,611,781, C>T on the plus strand (G>A on the coding strand, the complement: LTBP2 is on the minus strand). VCF-style: chr14-74611781-C-T. GRCh37 (hg19) VCF-style: chr14-75078484-C-T.
Other names: short protein forms R55H.
Identifiers: ClinVar variation 2113105 (VCV002113105.5), dbSNP rs1313818466, ClinGen allele CA390388596.
Genomic context (GRCh38, chr14:74,611,781, plus strand): 5'-TGCTCCCGGAACAGACTGTACACCTTGGCTGCAGCCGCTGCCGGGTAGCTGCCCCCAGGG[C>T]GCCGCAGTCGATTCGCGTCTCCACCAGCCGGCTCGTATCTCCCTACGGGGTCCCTTTGGG-3'
Protein context (NP_000419.1, residues 45-65): PAGGDANRLR[Arg55His]PGGSYPAAAA

ClinVar aggregate classification (germline): Uncertain significance. Review status: criteria provided, multiple submitters, no conflicts (2 of 4 stars). 2 submissions from 2 submitters: Uncertain significance (2). Last evaluated 2022-09-07.

Conditions:
Inborn genetic diseases. Identifiers: MedGen C0950123, MeSH D030342.

gnomAD v4.1: 9 of 1,610,176 alleles (0.00056%); highest among the groups gnomAD compares: East Asian, 0.0022%; no homozygotes.

Submissions (2):

Ambry Genetics
Classification: Uncertain significance for Inborn genetic diseases. Last evaluated: 2022-09-07. Review status: criteria provided, single submitter. Criteria: Ambry Variant Classification Scheme 2023. Collection method: clinical testing. Allele origin: germline.

Labcorp Genetics (formerly Invitae), Labcorp
Classification: Uncertain significance. Last evaluated: 2022-03-16. Review status: criteria provided, single submitter. Criteria: Invitae Variant Classification Sherloc (09022015). Collection method: clinical testing. Allele origin: germline.
Comment: In summary, the available evidence is currently insufficient to determine the role of this variant in disease. Therefore, it has been classified as a Variant of Uncertain Significance. Algorithms developed to predict the effect of missense changes on protein structure and function (SIFT, PolyPhen-2, Align-GVGD) all suggest that this variant is likely to be tolerated. This variant has not been reported in the literature in individuals affected with LTBP2-related conditions. This variant is present in population databases (no rsID available, gnomAD 0.002%). This sequence change replaces arginine, which is basic and polar, with histidine, which is basic and polar, at codon 55 of the LTBP2 protein (p.Arg55His).